The following is an entry in ClinVar:

NM_024635.4(NAA35):c.1698A>G (p.Lys566=)

Gene: NAA35 (N-alpha-acetyltransferase 35, NatC auxiliary subunit; plus strand). Cytogenetic location: 9q21.33.
Variant type: single nucleotide variant.
Coding change: c.1698A>G on transcript NM_024635.4 (MANE Select); coding-DNA position 1698, A replaced by G.
Protein change: p.Lys566=; no amino-acid change (lysine 566 retained).
Molecular consequence: synonymous variant.
Genome position (GRCh38, 1-based): chr9:86,016,668, A>G. VCF-style: chr9-86016668-A-G. GRCh37 (hg19) VCF-style: chr9-88631583-A-G.
Other names: c.1698A>G, p.Lys566= (NM_001321881.2, NM_001321882.2).
Identifiers: ClinVar variation 1976423 (VCV001976423.5), dbSNP rs747854126, ClinGen allele CA5107487.

ClinVar aggregate classification (germline): Uncertain significance (1 of 4 stars; one submission).

Allele frequency attached by ClinVar (database versions not stated): ExAC 0.00001; gnomAD 0.00001; gnomAD exomes 0.00001; TOPMed 0.00001.
gnomAD v4.1: 13 of 1,612,076 alleles (0.00081%); highest among the groups gnomAD compares: Non-Finnish European, 0.000085%; no homozygotes.

Submission:

Labcorp Genetics (formerly Invitae), Labcorp
Classification: Uncertain significance. Last evaluated: 2022-06-16. Review status: criteria provided, single submitter. Criteria: Invitae Variant Classification Sherloc (09022015). Collection method: clinical testing. Allele origin: germline.
Comment: This sequence change affects codon 566 of the NAA35 mRNA. It is a 'silent' change, meaning that it does not change the encoded amino acid sequence of the NAA35 protein. The frequency data for this variant in the population databases is considered unreliable, as metrics indicate poor data quality at this position in the gnomAD database. This variant has not been reported in the literature in individuals affected with NAA35-related conditions. Algorithms developed to predict the effect of sequence changes on RNA splicing suggest that this variant may create or strengthen a splice site. In summary, the available evidence is currently insufficient to determine the role of this variant in disease. Therefore, it has been classified as a Variant of Uncertain Significance.